The following is an entry in ClinVar:

ClinVar aggregate classification (germline): Uncertain significance (1 of 4 stars; one submission).

Submission:

Labcorp Genetics (formerly Invitae), Labcorp
Classification: Uncertain significance. Last evaluated: 2022-09-13. Review status: criteria provided, single submitter. Criteria: Invitae Variant Classification Sherloc (09022015). Collection method: clinical testing. Allele origin: germline.
Comment: In summary, the available evidence is currently insufficient to determine the role of this variant in disease. Therefore, it has been classified as a Variant of Uncertain Significance. Algorithms developed to predict the effect of missense changes on protein structure and function are either unavailable or do not agree on the potential impact of this missense change (SIFT: "Tolerated"; PolyPhen-2: "Possibly Damaging"; Align-GVGD: "Class C0"). ClinVar contains an entry for this variant (Variation ID: 1431621). This variant has not been reported in the literature in individuals affected with GMNN-related conditions. This variant is not present in population databases (gnomAD no frequency). This sequence change replaces glutamine, which is neutral and polar, with lysine, which is basic and polar, at codon 83 of the GMNN protein (p.Gln83Lys).

NM_015895.5(GMNN):c.247C>A (p.Gln83Lys)

Gene: GMNN (geminin DNA replication inhibitor; plus strand). Cytogenetic location: 6p22.3.
Variant type: single nucleotide variant.
Coding change: c.247C>A on transcript NM_015895.5 (MANE Select); coding-DNA position 247, C replaced by A.
Protein change: p.Gln83Lys; replaces glutamine 83 with lysine.
Molecular consequence: missense variant.
Genome position (GRCh38, 1-based): chr6:24,781,594, C>A. VCF-style: chr6-24781594-C-A. GRCh37 (hg19) VCF-style: chr6-24781822-C-A.
Other names: c.247C>A, p.Gln83Lys (NM_001251989.2, NM_001251990.2, NM_001251991.1); short protein forms Q83K.
Identifiers: ClinVar variation 1431621 (VCV001431621.8), dbSNP rs2113578950, ClinGen allele CA362990328.